The following is an entry in ClinVar:

ClinVar aggregate classification (germline): Uncertain significance (1 of 4 stars; one submission).

Conditions:
Baller-Gerold syndrome (BGS). Also called: CRANIOSYNOSTOSIS WITH RADIAL DEFECTS. Identifiers: Orphanet 1225, MedGen C0265308, MONDO:0009039, OMIM 218600.

Submission:

Labcorp Genetics (formerly Invitae), Labcorp
Classification: Uncertain significance for Baller-Gerold syndrome. Last evaluated: 2024-02-24. Review status: criteria provided, single submitter. Criteria: Invitae Variant Classification Sherloc (09022015). Collection method: clinical testing. Allele origin: germline.
Comment: This sequence change replaces cysteine, which is neutral and slightly polar, with tryptophan, which is neutral and slightly polar, at codon 620 of the RECQL4 protein (p.Cys620Trp). This variant is not present in population databases (gnomAD no frequency). This variant has not been reported in the literature in individuals affected with RECQL4-related conditions. ClinVar contains an entry for this variant (Variation ID: 1465702). Advanced modeling of protein sequence and biophysical properties (such as structural, functional, and spatial information, amino acid conservation, physicochemical variation, residue mobility, and thermodynamic stability) performed at Invitae indicates that this missense variant is expected to disrupt RECQL4 protein function with a positive predictive value of 80%. In summary, the available evidence is currently insufficient to determine the role of this variant in disease. Therefore, it has been classified as a Variant of Uncertain Significance.

NM_004260.4(RECQL4):c.1860C>G (p.Cys620Trp)

Gene: RECQL4 (RecQ like helicase 4; minus strand). Cytogenetic location: 8q24.3.
Variant type: single nucleotide variant.
Coding change: c.1860C>G on transcript NM_004260.4 (MANE Select); coding-DNA position 1860, C replaced by G.
Protein change: p.Cys620Trp; replaces cysteine 620 with tryptophan.
Molecular consequence: missense variant.
Genome position (GRCh38, 1-based): chr8:144,514,207, G>C on the plus strand (C>G on the coding strand, the complement: RECQL4 is on the minus strand). VCF-style: chr8-144514207-G-C. GRCh37 (hg19) VCF-style: chr8-145739591-G-C.
Other names: short protein forms C620W.
Identifiers: ClinVar variation 1465702 (VCV001465702.6), dbSNP rs1827815076, ClinGen allele CA372680611.
Genomic context (GRCh38, chr8:144,514,207, plus strand): 5'-ATCCCGGCCCTGGCCGCCCACCCCAGTTCACATATGGCTCACCTTGCAGACGCGCAGGTA[G>C]CAGGGCCGGAAGTTGTGGGACCACTGGGAGAGGCAGTGGGCCTCATCAATGCAGGCAAAA-3'
Protein context (NP_004251.4, residues 610-630): LSQWSHNFRP[Cys620Trp]YLRVCKVLRE